The following is an entry in ClinVar:

ClinVar aggregate classification (germline): Uncertain significance (1 of 4 stars; one submission).

Allele frequency attached by ClinVar (database versions not stated): gnomAD exomes 0.00001.
gnomAD v4.1: 8 of 1,612,900 alleles (0.0005%); highest among the groups gnomAD compares: Non-Finnish European, 0.00068%; no homozygotes.

Submission:

GeneDx
Classification: Uncertain significance. Last evaluated: 2022-12-20. Review status: criteria provided, single submitter. Criteria: GeneDx Variant Classification Process June 2021. Collection method: clinical testing. Allele origin: germline. Affected: yes.
Comment: Not observed at significant frequency in large population cohorts (gnomAD); In silico analysis supports that this missense variant does not alter protein structure/function; Has not been previously published as pathogenic or benign to our knowledge

NM_001606.5(ABCA2):c.1678A>G (p.Thr560Ala)

Gene: ABCA2 (ATP binding cassette subfamily A member 2; minus strand). Cytogenetic location: 9q34.3.
Variant type: single nucleotide variant.
Coding change: c.1678A>G on transcript NM_001606.5 (MANE Select); coding-DNA position 1678, A replaced by G.
Protein change: p.Thr560Ala; replaces threonine 560 with alanine.
Molecular consequence: missense variant.
Genome position (GRCh38, 1-based): chr9:137,018,947, T>C on the plus strand (A>G on the coding strand, the complement: ABCA2 is on the minus strand). VCF-style: chr9-137018947-T-C. GRCh37 (hg19) VCF-style: chr9-139913399-T-C.
Other names: c.1675A>G, p.Thr559Ala (NM_001411042.1); c.1768A>G, p.Thr590Ala (NM_212533.3); short protein forms T559A, T560A, T590A.
Identifiers: ClinVar variation 2506630 (VCV002506630.1), dbSNP rs2491542428, ClinGen allele CA375675156.